The following is an entry in ClinVar:

ClinVar aggregate classification (germline): Uncertain significance (1 of 4 stars; one submission).

Submission:

Labcorp Genetics (formerly Invitae), Labcorp
Classification: Uncertain significance. Last evaluated: 2024-04-02. Review status: criteria provided, single submitter. Criteria: Invitae Variant Classification Sherloc (09022015). Collection method: clinical testing. Allele origin: germline.
Comment: This sequence change replaces methionine, which is neutral and non-polar, with leucine, which is neutral and non-polar, at codon 1080 of the ARID1B protein (p.Met1080Leu). This variant is present in population databases (no rsID available, gnomAD 0.0009%). This missense change has been observed in individual(s) with developmental delay (PMID: 28600779). Advanced modeling of protein sequence and biophysical properties (such as structural, functional, and spatial information, amino acid conservation, physicochemical variation, residue mobility, and thermodynamic stability) has been performed at Invitae for this missense variant, however the output from this modeling did not meet the statistical confidence thresholds required to predict the impact of this variant on ARID1B protein function. In summary, the available evidence is currently insufficient to determine the role of this variant in disease. Therefore, it has been classified as a Variant of Uncertain Significance.

Literature cited by the submitters: PubMed 28600779.

NM_001374828.1(ARID1B):c.3607A>T (p.Met1203Leu)

Gene: ARID1B (AT-rich interaction domain 1B; plus strand). Cytogenetic location: 6q25.3.
Variant type: single nucleotide variant.
Coding change: c.3607A>T on transcript NM_001374828.1 (MANE Select); coding-DNA position 3607, A replaced by T.
Protein change: p.Met1203Leu; replaces methionine 1203 with leucine.
Molecular consequence: missense variant.
Genome position (GRCh38, 1-based): chr6:157,181,071, A>T. VCF-style: chr6-157181071-A-T. GRCh37 (hg19) VCF-style: chr6-157502205-A-T.
Other names: c.1108A>T, p.Met370Leu (NM_001363725.2); c.3487A>T, p.Met1163Leu (NM_001371656.1, NM_001374820.1); c.3448A>T, p.Met1150Leu (NM_017519.3); short protein forms M1203L, M1150L, M370L, M1163L.
Identifiers: ClinVar variation 3720723 (VCV003720723.2).